The following is an entry in ClinVar:

ClinVar aggregate classification (germline): Uncertain significance (1 of 4 stars; one submission).

Conditions:
Hereditary cancer-predisposing syndrome. Also called: Neoplastic Syndromes, Hereditary; Tumor predisposition; Hereditary neoplastic syndrome; Hereditary Cancer Syndrome. Identifiers: Orphanet 140162, MedGen C0027672, MeSH D009386, MONDO:0015356.

Submission:

Ambry Genetics
Classification: Uncertain significance for Hereditary cancer-predisposing syndrome. Last evaluated: 2025-05-16. Review status: criteria provided, single submitter. Criteria: Ambry Variant Classification Scheme 2023. Collection method: clinical testing. Allele origin: germline.
Comment: The p.N655T variant (also known as c.1964A>C), located in coding exon 13 of the KIT gene, results from an A to C substitution at nucleotide position 1964. The asparagine at codon 655 is replaced by threonine, an amino acid with similar properties. This amino acid position is highly conserved in available vertebrate species. In addition, the in silico prediction for this alteration is inconclusive. Based on the available evidence, the clinical significance of this variant remains unclear.

NM_000222.3(KIT):c.1964A>C (p.Asn655Thr)

Gene: KIT (KIT proto-oncogene, receptor tyrosine kinase; plus strand). Cytogenetic location: 4q12.
Variant type: single nucleotide variant.
Coding change: c.1964A>C on transcript NM_000222.3 (MANE Select); coding-DNA position 1964, A replaced by C.
Protein change: p.Asn655Thr; replaces asparagine 655 with threonine.
Molecular consequence: missense variant.
Genome position (GRCh38, 1-based): chr4:54,728,095, A>C. VCF-style: chr4-54728095-A-C. GRCh37 (hg19) VCF-style: chr4-55594261-A-C.
Other names: c.1952A>C, p.Asn651Thr (NM_001093772.2, NM_001385286.1); c.1967A>C, p.Asn656Thr (NM_001385284.1, NM_001385290.1); c.1964A>C, p.Asn655Thr (NM_001385285.1); c.1955A>C, p.Asn652Thr (NM_001385288.1, NM_001385292.1); short protein forms N651T, N656T, N655T, N652T.
Identifiers: ClinVar variation 4043758 (VCV004043758.1).